The following is an entry in ClinVar:

NM_006015.6(ARID1A):c.4684C>T (p.Pro1562Ser)

Gene: ARID1A (AT-rich interaction domain 1A; plus strand). Cytogenetic location: 1p36.11.
Variant type: single nucleotide variant.
Coding change: c.4684C>T on transcript NM_006015.6 (MANE Select); coding-DNA position 4684, C replaced by T.
Protein change: p.Pro1562Ser; replaces proline 1562 with serine.
Molecular consequence: missense variant. On other transcripts: intron variant (1).
Genome position (GRCh38, 1-based): chr1:26,774,911, C>T. VCF-style: chr1-26774911-C-T. GRCh37 (hg19) VCF-style: chr1-27101402-C-T.
Other names: c.4102-69C>T (NM_139135.4); short protein forms P1562S.
Identifiers: ClinVar variation 2168772 (VCV002168772.4), dbSNP rs747585997, ClinGen allele CA707503.
Genomic context (GRCh38, chr1:26,774,911, plus strand): 5'-GAAGGCTCGTGGCCTTCCCATGGCACACGCCAGCCCCCATATGGTCCCTCTGCCCCTGTG[C>T]CCCCCATGACAAGGCCCCCTCCATCTAACTACCAGCCCCCACCAAGCATGCAGAATCACA-3'
Protein context (NP_006006.3, residues 1552-1572): QPPYGPSAPV[Pro1562Ser]PMTRPPPSNY

ClinVar aggregate classification (germline): Uncertain significance (1 of 4 stars; one submission).

Allele frequency attached by ClinVar (database versions not stated): ExAC 0.00001; gnomAD 0.00001; gnomAD exomes 0.00006.
gnomAD v4.1: 26 of 592,496 alleles (0.0044%); highest among the groups gnomAD compares: Non-Finnish European, 0.0074%; no homozygotes.

Submission:

Labcorp Genetics (formerly Invitae), Labcorp
Classification: Uncertain significance. Last evaluated: 2023-12-07. Review status: criteria provided, single submitter. Criteria: Invitae Variant Classification Sherloc (09022015). Collection method: clinical testing. Allele origin: germline.
Comment: This sequence change replaces proline, which is neutral and non-polar, with serine, which is neutral and polar, at codon 1562 of the ARID1A protein (p.Pro1562Ser). This variant is present in population databases (rs747585997, gnomAD 0.004%). This variant has not been reported in the literature in individuals affected with ARID1A-related conditions. ClinVar contains an entry for this variant (Variation ID: 2168772). Advanced modeling of protein sequence and biophysical properties (such as structural, functional, and spatial information, amino acid conservation, physicochemical variation, residue mobility, and thermodynamic stability) performed at Invitae indicates that this missense variant is not expected to disrupt ARID1A protein function with a negative predictive value of 80%. In summary, the available evidence is currently insufficient to determine the role of this variant in disease. Therefore, it has been classified as a Variant of Uncertain Significance.